The following is an entry in ClinVar:

NM_001009944.3(PKD1):c.3600G>A (p.Ala1200=)

Gene: PKD1 (polycystin 1, transient receptor potential channel interacting; minus strand). Cytogenetic location: 16p13.3.
Variant type: single nucleotide variant.
Coding change: c.3600G>A on transcript NM_001009944.3 (MANE Select); coding-DNA position 3600, G replaced by A.
Protein change: p.Ala1200=; no amino-acid change (alanine 1200 retained).
Molecular consequence: synonymous variant.
Genome position (GRCh38, 1-based): chr16:2,111,567, C>T on the plus strand (G>A on the coding strand, the complement: PKD1 is on the minus strand). VCF-style: chr16-2111567-C-T. GRCh37 (hg19) VCF-style: chr16-2161568-C-T.
Other names: c.3600G>A, p.Ala1200= (NM_000296.4).
Identifiers: ClinVar variation 586269 (VCV000586269.31), dbSNP rs372882189, ClinGen allele CA7832711.

ClinVar aggregate classification (germline): Benign/Likely benign. Review status: criteria provided, multiple submitters, no conflicts (2 of 4 stars). 7 submissions from 7 submitters: Benign (3); Likely benign (4). Last evaluated 2026-06-09.

Conditions:
Polycystic kidney disease, adult type (PKD1). Also called: Polycystic Kidney, Autosomal Dominant; POLYCYSTIC KIDNEY DISEASE 1 WITH OR WITHOUT POLYCYSTIC LIVER DISEASE; Polycystic Kidney Disease 1, Autosomal Dominant; Polycystic kidney disease 1; Polycystic kidney disease 1, severe; POLYCYSTIC KIDNEY DISEASE, ADULT, TYPE I. Identifiers: MedGen C3149841, MONDO:0008263, OMIM 173900.

Allele frequency attached by ClinVar (database versions not stated): 1000 Genomes Project 0.00020; TOPMed 0.00024; ESP Exome Variant Server 0.00008; 1000 Genomes Project 30x 0.00016; gnomAD 0.00019.
gnomAD v4.1: 527 of 1,579,516 alleles (0.033%); highest among the groups gnomAD compares: Middle Eastern, 0.31%; 2 homozygotes.

Submissions (7):

Women's Health and Genetics/Laboratory Corporation of America, LabCorp
Classification: Likely benign. Last evaluated: 2026-06-09. Review status: criteria provided, single submitter. Criteria: LabCorp Variant Classification Summary - May 2015. Collection method: clinical testing. Allele origin: germline.

Department of Pathology and Laboratory Medicine, Sinai Health System
Classification: Likely benign for Polycystic kidney disease, adult type. Last evaluated: 2024-11-27. Review status: criteria provided, single submitter. Criteria: ACMG Guidelines, 2015. Collection method: clinical testing. Allele origin: germline. Affected: yes.

Blueprint Genetics
Classification: Likely benign. Last evaluated: 2024-11-15. Review status: criteria provided, single submitter. Criteria: ACMG Guidelines, 2015. Collection method: clinical testing. Allele origin: germline.

CeGaT Center for Human Genetics Tuebingen
Classification: Likely benign. Last evaluated: 2023-09-01. Review status: criteria provided, single submitter. Criteria: CeGaT Center For Human Genetics Tuebingen Variant Classification Criteria Version 2. Collection method: clinical testing. Allele origin: germline. Affected: yes. Observed: 1 variant allele.
Comment: PKD1: BP4, BP7

Fulgent Genetics
Classification: Benign for Polycystic kidney disease, adult type. Last evaluated: 2021-07-09. Review status: criteria provided, single submitter. Criteria: ACMG Guidelines, 2015. Collection method: clinical testing. Allele origin: unknown.

Athena Diagnostics
Classification: Benign. Last evaluated: 2017-12-28. Review status: criteria provided, single submitter. Criteria: Athena Diagnostics Criteria. Collection method: clinical testing. Allele origin: germline.

Breakthrough Genomics
Classification: Benign. Review status: criteria provided, single submitter. Criteria: ACMG Guidelines, 2015. Collection method: not provided. Allele origin: germline. Inheritance: Autosomal dominant inheritance. Affected: yes.

Literature cited by the submitters: PubMed 22383692 (cited by Department of Pathology and Laboratory Medicine, Sinai Health System and Athena Diagnostics).